The following is an entry in ClinVar:

ClinVar aggregate classification (germline): Uncertain significance (1 of 4 stars; one submission).

Conditions:
SDCCAG8-related disorder. Also called: SDCCAG8-related condition; SDCCAG8-Related Disorders.

gnomAD v4.1: 1 of 1,613,738 alleles (0.000062%); highest among the groups gnomAD compares: East Asian, 0.0022%; no homozygotes.

Submission:

PreventionGenetics, part of Exact Sciences
Classification: Uncertain significance for SDCCAG8-related condition. Last evaluated: 2024-11-15. Review status: criteria provided, single submitter. Criteria: ACMG Guidelines, 2015. Collection method: clinical testing. Allele origin: germline.
Comment: The SDCCAG8 c.1711A>T variant is predicted to result in the amino acid substitution p.Ile571Leu. To our knowledge, this variant has not been reported in the literature. This variant is reported in 0.0055% of alleles in individuals of East Asian descent in gnomAD. At this time, the clinical significance of this variant is uncertain due to the absence of conclusive functional and genetic evidence.

NM_006642.5(SDCCAG8):c.1711A>T (p.Ile571Leu)

Gene: SDCCAG8 (SHH signaling and ciliogenesis regulator SDCCAG8; plus strand). Cytogenetic location: 1q43.
Variant type: single nucleotide variant.
Coding change: c.1711A>T on transcript NM_006642.5 (MANE Select); coding-DNA position 1711, A replaced by T.
Protein change: p.Ile571Leu; replaces isoleucine 571 with leucine.
Molecular consequence: missense variant.
Genome position (GRCh38, 1-based): chr1:243,415,796, A>T. VCF-style: chr1-243415796-A-T. GRCh37 (hg19) VCF-style: chr1-243579098-A-T.
Other names: c.808A>T, p.Ile270Leu (NM_001350246.2, NM_001350247.2, NM_001350251.2); c.1807A>T, p.Ile603Leu (NM_001350248.2); c.1417A>T, p.Ile473Leu (NM_001350249.2); short protein forms I603L, I270L, I571L, I473L.
Identifiers: ClinVar variation 4999221 (VCV004999221.1).
Genomic context (GRCh38, chr1:243,415,796, plus strand): 5'-AAGGAAGCAAAGGCCCAAGCCCTTCAGGCCCAGCAAAGAGAGCAGGAGCTGACACAGAAG[A>T]TACAGCAAATGGAGGCCCAGCATGACAAAACTGGTAGGTGGTAGGGAAAGATTAGAGCCT-3'
Protein context (NP_006633.1, residues 561-581): QQREQELTQK[Ile571Leu]QQMEAQHDKT